The following is an entry in ClinVar:

ClinVar aggregate classification (germline): Uncertain significance. Review status: criteria provided, multiple submitters, no conflicts (2 of 4 stars). 2 submissions from 2 submitters: Uncertain significance (2). Last evaluated 2022-03-11.

Conditions:
Diffuse midline glioma, H3 K27-altered. Identifiers: MedGen C5669877, MONDO:1060171.

Submissions (2):

Labcorp Genetics (formerly Invitae), Labcorp
Classification: Uncertain significance. Last evaluated: 2022-03-11. Review status: criteria provided, single submitter. Criteria: Invitae Variant Classification Sherloc (09022015). Collection method: clinical testing. Allele origin: germline.
Comment: This variant is not present in population databases (gnomAD no frequency). In summary, the available evidence is currently insufficient to determine the role of this variant in disease. Therefore, it has been classified as a Variant of Uncertain Significance. Algorithms developed to predict the effect of missense changes on protein structure and function are either unavailable or do not agree on the potential impact of this missense change (SIFT: "Tolerated"; PolyPhen-2: "Not Available"; Align-GVGD: "Class C0"). ClinVar contains an entry for this variant (Variation ID: 943065). This variant has not been reported in the literature in individuals affected with POLE-related conditions. This sequence change replaces serine, which is neutral and polar, with glycine, which is neutral and non-polar, at codon 5 of the POLE protein (p.Ser5Gly).

Laboratory of Medical Genetics Unit, Bambino Gesù Children's Hospital
Classification: Uncertain significance for Diffuse midline glioma, H3 K27-altered. Review status: criteria provided, single submitter. Criteria: ACMG Guidelines, 2015. Collection method: research. Allele origin: germline. Affected: yes. Observed: 1 heterozygote.

NM_006231.4(POLE):c.13A>G (p.Ser5Gly)

Genes: POLE (DNA polymerase epsilon, catalytic subunit; minus strand), LOC130009266 (ATAC-STARR-seq lymphoblastoid silent region 5123; plus strand). Cytogenetic location: 12q24.33.
Variant type: single nucleotide variant.
Coding change: c.13A>G on transcript NM_006231.4 (MANE Select); coding-DNA position 13, A replaced by G.
Protein change: p.Ser5Gly; replaces serine 5 with glycine.
Molecular consequence: missense variant.
Genome position (GRCh38, 1-based): chr12:132,687,303, T>C on the plus strand (A>G on the coding strand, the complement: POLE is on the minus strand). VCF-style: chr12-132687303-T-C. GRCh37 (hg19) VCF-style: chr12-133263889-T-C.
Other names: short protein forms S5G.
Identifiers: ClinVar variation 943065 (VCV000943065.11), dbSNP rs2043299375, ClinGen allele CA387373525.